The following is an entry in ClinVar:

NM_000824.5(GLRB):c.229+8T>G

Gene: GLRB (glycine receptor beta; plus strand). Cytogenetic location: 4q32.1.
Variant type: single nucleotide variant.
Coding change: c.229+8T>G on transcript NM_000824.5 (MANE Select); 8 bases into the intron after coding-DNA position 229, T replaced by G.
Molecular consequence: intron variant.
Genome position (GRCh38, 1-based): chr4:157,120,670, T>G. VCF-style: chr4-157120670-T-G. GRCh37 (hg19) VCF-style: chr4-158041822-T-G.
Other names: c.229+8T>G (NM_001166061.2, NM_001166060.2).
Identifiers: ClinVar variation 347916 (VCV000347916.17), dbSNP rs373221915, ClinGen allele CA3119684.
Genomic context (GRCh38, chr4:157,120,670, plus strand): 5'-CTTGAACAGGTTATTGGTCAGTTATGATCCCAGGATAAGACCAAACTTCAAAGGTTTGTC[T>G]CCCCCATATAAATGTTCATTTTTATTGTTTAAAAATTAATTTTATATGTTTAGAGATTTG-3'

ClinVar aggregate classification (germline): Benign/Likely benign. Review status: criteria provided, multiple submitters, no conflicts (2 of 4 stars). 4 submissions from 4 submitters: Benign (1); Likely benign (3). Last evaluated 2026-01-19.

Conditions:
Hyperekplexia 2 (HKPX2). Identifiers: Orphanet 3197, MedGen C3553291, MONDO:0013828, OMIM 614619.

Allele frequency attached by ClinVar (database versions not stated): ExAC 0.00018; 1000 Genomes Project 0.00020; gnomAD exomes 0.00022; ESP Exome Variant Server 0.00023; gnomAD 0.00032 and 0.00034; 1000 Genomes Project 30x 0.00016; TOPMed 0.00041.
gnomAD v4.1: 239 of 1,288,532 alleles (0.019%); highest among the groups gnomAD compares: Middle Eastern, 0.075%; no homozygotes.

Submissions (4):

Labcorp Genetics (formerly Invitae), Labcorp
Classification: Likely benign for Hyperekplexia 2. Last evaluated: 2026-01-19. Review status: criteria provided, single submitter. Criteria: Invitae Variant Classification Sherloc (09022015). Collection method: clinical testing. Allele origin: germline.

Blueprint Genetics
Classification: Likely benign. Last evaluated: 2024-11-05. Review status: criteria provided, single submitter. Criteria: ACMG Guidelines, 2015. Collection method: clinical testing. Allele origin: germline.

Illumina Laboratory Services, Illumina
Classification: Benign for Hyperekplexia 2. Last evaluated: 2018-01-12. Review status: criteria provided, single submitter. Criteria: ICSL Variant Classification Criteria 13 December 2019. Collection method: clinical testing. Allele origin: germline.
Comment: This variant was observed in the ICSL laboratory as part of a predisposition screen in an ostensibly healthy population. It had not been previously curated by ICSL or reported in the Human Gene Mutation Database (HGMD: prior to June 1st, 2018), and was therefore a candidate for classification through an automated scoring system. Utilizing variant allele frequency, disease prevalence and penetrance estimates, and inheritance mode, an automated score was calculated to assess if this variant is too frequent to cause the disease. Based on the score and internal cut-off values, a variant classified as benign is not then subjected to further curation. The score for this variant resulted in a classification of benign for this disease.

Breakthrough Genomics
Classification: Likely benign. Review status: criteria provided, single submitter. Criteria: ACMG Guidelines, 2015. Collection method: not provided. Allele origin: germline. Inheritance: Autosomal recessive inheritance. Affected: yes.